The following is an entry in ClinVar:

NM_012210.4(TRIM32):c.1034G>C (p.Gly345Ala)

Genes: ASTN2 (astrotactin 2; minus strand), TRIM32 (tripartite motif containing 32; plus strand). Cytogenetic location: 9q33.1.
Variant type: single nucleotide variant.
Coding change: c.1034G>C on transcript NM_012210.4 (MANE Select); coding-DNA position 1034, G replaced by C.
Protein change: p.Gly345Ala; replaces glycine 345 with alanine.
Molecular consequence: missense variant. On other transcripts: intron variant (3).
Genome position (GRCh38, 1-based): chr9:116,698,776, G>C. VCF-style: chr9-116698776-G-C. GRCh37 (hg19) VCF-style: chr9-119461055-G-C.
Other names: c.1034G>C, p.Gly345Ala (NM_001099679.2, NM_001379048.1, NM_001379049.1 and 1 more transcripts); c.2653+26995C>G (NM_014010.5); c.2794+26995C>G (NM_001365069.1); c.2806+26995C>G (NM_001365068.1); short protein forms G345A.
Identifiers: ClinVar variation 1714727 (VCV001714727.5), dbSNP rs1391426977, ClinGen allele CA374650807.
Genomic context (GRCh38, chr9:116,698,776, plus strand): 5'-TGGACATGAGCCCGGAGGAAGTGGTTGCCAGCCCTAGGGCCTCACCTGCTAAACAGCGGG[G>C]TCCTGAGGCAGCCTCCAATATCCAGCAGTGCCTCTTTCTCAAGAAGATGGGGGCCAAAGG-3'
Protein context (NP_036342.2, residues 335-355): SPRASPAKQR[Gly345Ala]PEAASNIQQC

ClinVar aggregate classification (germline): Uncertain significance (1 of 4 stars; one submission).

Conditions:
Bardet-Biedl syndrome (BBS). Identifiers: Orphanet 110, MedGen C0752166, MONDO:0015229.

Submission:

Labcorp Genetics (formerly Invitae), Labcorp
Classification: Uncertain significance for Bardet-Biedl syndrome. Last evaluated: 2022-08-02. Review status: criteria provided, single submitter. Criteria: Invitae Variant Classification Sherloc (09022015). Collection method: clinical testing. Allele origin: germline.
Comment: In summary, the available evidence is currently insufficient to determine the role of this variant in disease. Therefore, it has been classified as a Variant of Uncertain Significance. Algorithms developed to predict the effect of missense changes on protein structure and function (SIFT, PolyPhen-2, Align-GVGD) all suggest that this variant is likely to be tolerated. This variant has not been reported in the literature in individuals affected with TRIM32-related conditions. This variant is not present in population databases (gnomAD no frequency). This sequence change replaces glycine, which is neutral and non-polar, with alanine, which is neutral and non-polar, at codon 345 of the TRIM32 protein (p.Gly345Ala).